The following is an entry in ClinVar:

NM_000059.4(BRCA2):c.677C>G (p.Thr226Ser)

Gene: BRCA2 (BRCA2 DNA repair associated; plus strand). Cytogenetic location: 13q13.1.
Variant type: single nucleotide variant.
Coding change: c.677C>G on transcript NM_000059.4 (MANE Select); coding-DNA position 677, C replaced by G.
Protein change: p.Thr226Ser; replaces threonine 226 with serine.
Molecular consequence: missense variant.
Genome position (GRCh38, 1-based): chr13:32,329,488, C>G. VCF-style: chr13-32329488-C-G. GRCh37 (hg19) VCF-style: chr13-32903625-C-G.
Other names: short protein forms T226S.
Identifiers: ClinVar variation 826614 (VCV000826614.4), dbSNP rs1593889315, ClinGen allele CA387759519.

ClinVar aggregate classification (germline): Uncertain significance (1 of 4 stars; one submission).

Conditions:
Hereditary cancer-predisposing syndrome. Also called: Neoplastic Syndromes, Hereditary; Tumor predisposition; Hereditary neoplastic syndrome; Hereditary Cancer Syndrome. Identifiers: Orphanet 140162, MedGen C0027672, MeSH D009386, MONDO:0015356.

Submission:

Ambry Genetics
Classification: Uncertain significance for Hereditary cancer-predisposing syndrome. Last evaluated: 2018-12-05. Review status: criteria provided, single submitter. Criteria: Ambry Variant Classification Scheme 2023. Collection method: clinical testing. Allele origin: germline.
Comment: The p.T226S variant (also known as c.677C>G), located in coding exon 7 of the BRCA2 gene, results from a C to G substitution at nucleotide position 677. The threonine at codon 226 is replaced by serine, an amino acid with similar properties. This amino acid position is not well conserved in available vertebrate species. In addition, this alteration is predicted to be tolerated by in silico analysis. Since supporting evidence is limited at this time, the clinical significance of this alteration remains unclear.